The following is an entry in ClinVar:

ClinVar aggregate classification (germline): Uncertain significance (1 of 4 stars; one submission).

Conditions:
COL4A2-related disorder. Also called: COL4A2-related disorders; COL4A2-related condition.

Allele frequency attached by ClinVar (database versions not stated): gnomAD exomes below 0.00001.
gnomAD v4.1: 1 of 1,603,694 alleles (0.000062%); highest among the groups gnomAD compares: Non-Finnish European, 0.000085%; no homozygotes.

Submission:

PreventionGenetics, part of Exact Sciences
Classification: Uncertain significance for COL4A2-related condition. Last evaluated: 2022-10-08. Review status: criteria provided, single submitter. Criteria: ACMG Guidelines, 2015. Collection method: clinical testing. Allele origin: germline.
Comment: The COL4A2 c.2474T>C variant is predicted to result in the amino acid substitution p.Leu825Pro. To our knowledge, this variant has not been reported in the literature or in a large population database, indicating this variant is rare. At this time, the clinical significance of this variant is uncertain due to the absence of conclusive functional and genetic evidence.

NM_001846.4(COL4A2):c.2474T>C (p.Leu825Pro)

Gene: COL4A2 (collagen type IV alpha 2 chain; plus strand). Cytogenetic location: 13q34.
Variant type: single nucleotide variant.
Coding change: c.2474T>C on transcript NM_001846.4 (MANE Select); coding-DNA position 2474, T replaced by C.
Protein change: p.Leu825Pro; replaces leucine 825 with proline.
Molecular consequence: missense variant.
Genome position (GRCh38, 1-based): chr13:110,478,051, T>C. VCF-style: chr13-110478051-T-C. GRCh37 (hg19) VCF-style: chr13-111130398-T-C.
Other names: short protein forms L825P.
Identifiers: ClinVar variation 2637248 (VCV002637248.1), dbSNP rs2502153598, ClinGen allele CA388725872.
Genomic context (GRCh38, chr13:110,478,051, plus strand): 5'-TGATTCCTGCAGGAAGCCAAGGGATGCCTGGGATGCCAGGGCTGAAGGGCCAGCCAGGCC[T>C]CCCAGGACCTTCCGGCCAGCCAGGCCTGTATGGGCCTCCAGGACTGCATGGATTCCCAGG-3'
Protein context (NP_001837.2, residues 815-835): GMPGLKGQPG[Leu825Pro]PGPSGQPGLY